The following is an entry in ClinVar:

ClinVar aggregate classification (germline): Uncertain significance (1 of 4 stars; one submission).

Submission:

Labcorp Genetics (formerly Invitae), Labcorp
Classification: Uncertain significance. Last evaluated: 2025-09-29. Review status: criteria provided, single submitter. Criteria: Invitae Variant Classification Sherloc (09022015). Collection method: clinical testing. Allele origin: germline.
Comment: This sequence change replaces arginine, which is basic and polar, with glycine, which is neutral and non-polar, at codon 171 of the KSR2 protein (p.Arg171Gly). This variant is not present in population databases (gnomAD no frequency). This variant has not been reported in the literature in individuals affected with KSR2-related conditions. An algorithm developed to predict the effect of missense changes on protein structure and function (PolyPhen-2) suggests that this variant is likely to be tolerated. In summary, the available evidence is currently insufficient to determine the role of this variant in disease. Therefore, it has been classified as a Variant of Uncertain Significance.

NM_173598.6(KSR2):c.598A>G (p.Arg200Gly)

Gene: KSR2 (kinase suppressor of ras 2; minus strand). Cytogenetic location: 12q24.23.
Variant type: single nucleotide variant.
Coding change: c.598A>G on transcript NM_173598.6 (MANE Select); coding-DNA position 598, A replaced by G.
Protein change: p.Arg200Gly; replaces arginine 200 with glycine.
Molecular consequence: missense variant.
Genome position (GRCh38, 1-based): chr12:117,761,399, T>C on the plus strand (A>G on the coding strand, the complement: KSR2 is on the minus strand). VCF-style: chr12-117761399-T-C. GRCh37 (hg19) VCF-style: chr12-118199204-T-C.
Other names: short protein forms R200G.
Identifiers: ClinVar variation 4802967 (VCV004802967.1).